The following is an entry in ClinVar:

ClinVar aggregate classification (germline): Pathogenic (1 of 4 stars; one submission).

Conditions:
Familial cancer of breast. Also called: Hereditary breast cancer; BREAST CANCER, FAMILIAL; hereditary breast carcinoma. Identifiers: Orphanet 227535, MedGen C0346153, MONDO:0016419, OMIM 114480. Disease mechanism: loss of function.

Submission:

Myriad Genetics, Inc.
Classification: Pathogenic for Familial cancer of breast. Last evaluated: 2023-05-19. Review status: criteria provided, single submitter. Criteria: Myriad Autosomal Dominant, Autosomal Recessive and X-Linked Classification Criteria (2023). Collection method: clinical testing. Allele origin: unknown.
Comment: This variant is considered pathogenic. This variant creates a termination codon and is predicted to result in premature protein truncation.

NM_000465.4(BARD1):c.947del (p.Pro315_Leu316insTer)

Gene: BARD1 (BRCA1 associated RING domain 1; minus strand). Cytogenetic location: 2q35.
Variant type: Deletion.
Coding change: c.947del on transcript NM_000465.4 (MANE Select); coding-DNA position 947, one base deleted (T; older notation c.947delT).
Protein change: p.Pro315_Leu316insTer.
Molecular consequence: nonsense. On other transcripts: non-coding transcript variant (2), intron variant (3).
Genome position (GRCh38, 1-based): chr2:214,780,927, A deleted on the plus strand (T on the coding strand, the reverse complement: BARD1 is on the minus strand); the first of 2 consecutive A bases (chr2:214,780,927-214,780,928); deleting either gives the same sequence. VCF-style (leftmost placement, unchanged base first): chr2-214780926-TA-T. GRCh37 (hg19) VCF-style: chr2-215645650-TA-T.
Other names: c.890del, p.Pro296_Leu297insTer (NM_001282543.2); c.159-28372del (NM_001282548.2); c.215+16134del (NM_001282545.2); c.364+11370del (NM_001282549.2).
Identifiers: ClinVar variation 2583235 (VCV002583235.2), dbSNP rs2469506291, ClinGen allele CA2582342111.